The following is an entry in ClinVar:

NM_001244008.2(KIF1A):c.1208-270C>T

Gene: KIF1A (kinesin family member 1A; minus strand). Cytogenetic location: 2q37.3.
Variant type: single nucleotide variant.
Coding change: c.1208-270C>T on transcript NM_001244008.2 (MANE Select); 270 bases into the intron before coding-DNA position 1208, C replaced by T.
Molecular consequence: intron variant.
Genome position (GRCh38, 1-based): chr2:240,771,374, G>A on the plus strand (C>T on the coding strand, the complement: KIF1A is on the minus strand). VCF-style: chr2-240771374-G-A. GRCh37 (hg19) VCF-style: chr2-241710791-G-A.
Other names: c.1181-270C>T (NM_001379653.1, NM_001379650.1, NM_001379645.1 and 10 more transcripts); c.1208-195C>T (NM_001379635.1, NM_001330290.2, NM_001379646.1 and 2 more transcripts); c.1181-195C>T (NM_001379637.1, NM_001379648.1); c.1208-270C>T (NM_001320705.2, NM_001379638.1, NM_001330289.2).
Identifiers: ClinVar variation 671424 (VCV000671424.2), dbSNP rs58084812, ClinGen allele CA11176591.

ClinVar aggregate classification (germline): Benign. Review status: criteria provided, multiple submitters, no conflicts (2 of 4 stars). 2 submissions from 2 submitters: Benign (2). Last evaluated 2018-06-16.

Allele frequency attached by ClinVar (database versions not stated): gnomAD exomes 0.06688; gnomAD 0.08817 and 0.08936; TOPMed 0.09715; 1000 Genomes Project 30x 0.13616; 1000 Genomes Project 0.13718.
gnomAD v4.1: 38,674 of 523,560 alleles (7.4%); highest among the groups gnomAD compares: African/African-American, 17%; 2,105 homozygotes.

Submissions (2):

GeneDx
Classification: Benign. Last evaluated: 2018-06-16. Review status: criteria provided, single submitter. Criteria: GeneDx Variant Classification (06012015). Collection method: clinical testing. Allele origin: germline. Affected: yes.
Comment: This variant is considered likely benign or benign based on one or more of the following criteria: it is a conservative change, it occurs at a poorly conserved position in the protein, it is predicted to be benign by multiple in silico algorithms, and/or has population frequency not consistent with disease.

Breakthrough Genomics
Classification: Benign. Review status: criteria provided, single submitter. Criteria: ACMG Guidelines, 2015. Collection method: not provided. Allele origin: germline. Inheritance: Autosomal recessive inheritance. Affected: yes.